The following is an entry in ClinVar:

NM_002101.5(GYPC):c.212T>C (p.Ile71Thr)

Gene: GYPC (glycophorin C (Gerbich blood group); plus strand). Cytogenetic location: 2q14.3.
Variant type: single nucleotide variant.
Coding change: c.212T>C on transcript NM_002101.5 (MANE Select); coding-DNA position 212, T replaced by C.
Protein change: p.Ile71Thr; replaces isoleucine 71 with threonine.
Molecular consequence: missense variant.
Genome position (GRCh38, 1-based): chr2:126,695,967, T>C. VCF-style: chr2-126695967-T-C. GRCh37 (hg19) VCF-style: chr2-127453543-T-C.
Other names: p.Ile71Thr; c.149T>C, p.Ile50Thr (NM_001256584.2); c.155T>C, p.Ile52Thr (NM_016815.4); short protein forms I50T, I52T, I71T.
Identifiers: ClinVar variation 719629 (VCV000719629.6), dbSNP rs115201071, ClinGen allele CA1856775.
Genomic context (GRCh38, chr2:126,695,967, plus strand): 5'-CTGCCTCAGACTGACCCTTGCACCTCTTCCCACCTGCAGGTGTGATTGCTGCTGTGGCCA[T>C]CGTCCTAGTCTCCCTCCTCTTCGTCATGCTGCGCTACATGTACCGGCACAAGGGCACGTA-3'
Protein context (NP_002092.1, residues 61-81): VIAGVIAAVA[Ile71Thr]VLVSLLFVML

ClinVar aggregate classification (germline): Benign/Likely benign. Review status: criteria provided, multiple submitters, no conflicts (2 of 4 stars). 3 submissions from 3 submitters: Benign (1); Likely benign (1). 1 of the submissions does not count toward it. Last evaluated 2024-11-14.

Conditions:
GYPC-related disorder. Also called: GYPC-related condition.

Allele frequency attached by ClinVar (database versions not stated): gnomAD 0.00732 and 0.00777; gnomAD exomes 0.00064 and 0.00174; 1000 Genomes Project 30x 0.00625; ExAC 0.00229; 1000 Genomes Project 0.00619; TOPMed 0.00792; ESP Exome Variant Server 0.00823.

Submissions (3):

Mayo Clinic Laboratories, Mayo Clinic
Classification: Likely benign. Last evaluated: 2024-11-14. Review status: criteria provided, single submitter. Criteria: ACMG Guidelines, 2015. Collection method: clinical testing. Allele origin: germline. Observed: 16 variant alleles.
Comment: BS2, BP4

Labcorp Genetics (formerly Invitae), Labcorp
Classification: Benign. Last evaluated: 2018-05-10. Review status: criteria provided, single submitter. Criteria: Invitae Variant Classification Sherloc (09022015). Collection method: clinical testing. Allele origin: germline.

PreventionGenetics, part of Exact Sciences
Classification: Benign for GYPC-related condition. Last evaluated: 2019-03-28. Review status: no assertion criteria provided. Collection method: clinical testing. Allele origin: germline. Not counted in ClinVar's aggregate classification.
Comment: This variant is classified as benign based on ACMG/AMP sequence variant interpretation guidelines (Richards et al. 2015 PMID: 25741868, with internal and published modifications).